The following is an entry in ClinVar:

ClinVar aggregate classification (germline): Uncertain significance (1 of 4 stars; one submission).

gnomAD v4.1: 1 of 1,610,160 alleles (0.000062%); highest among the groups gnomAD compares: African/African-American, 0.0013%; no homozygotes.

Submission:

GeneDx
Classification: Uncertain significance. Last evaluated: 2025-01-10. Review status: criteria provided, single submitter. Criteria: GeneDx Variant Classification Process June 2021. Collection method: clinical testing. Allele origin: germline. Affected: yes.
Comment: Not observed at significant frequency in large population cohorts (gnomAD); In silico analysis indicates that this missense variant does not alter protein structure/function; Has not been previously published as pathogenic or benign to our knowledge

NM_006940.6(SOX5):c.1552T>G (p.Phe518Val)

Gene: SOX5 (SRY-box transcription factor 5; minus strand). Cytogenetic location: 12p12.1.
Variant type: single nucleotide variant.
Coding change: c.1552T>G on transcript NM_006940.6 (MANE Select); coding-DNA position 1552, T replaced by G.
Protein change: p.Phe518Val; replaces phenylalanine 518 with valine.
Molecular consequence: missense variant.
Genome position (GRCh38, 1-based): chr12:23,546,361, A>C on the plus strand (T>G on the coding strand, the complement: SOX5 is on the minus strand). VCF-style: chr12-23546361-A-C. GRCh37 (hg19) VCF-style: chr12-23699295-A-C.
Other names: c.1189T>G, p.Phe397Val (NM_001261414.3); c.1522T>G, p.Phe508Val (NM_001261415.3); c.1447T>G, p.Phe483Val (NM_001330785.2); c.1513T>G, p.Phe505Val (NM_152989.5); c.394T>G, p.Phe132Val (NM_178010.4); short protein forms F132V, F397V, F483V, F505V, F508V, F518V.
Identifiers: ClinVar variation 4057147 (VCV004057147.1).